The following is an entry in ClinVar:

ClinVar aggregate classification (germline): Likely pathogenic (1 of 4 stars; one submission).

Conditions:
Dilated cardiomyopathy 1G (CMD1G). Identifiers: Orphanet 154, MedGen C1858763, MONDO:0011400, OMIM 604145.
Autosomal recessive limb-girdle muscular dystrophy type 2J (LGMDR10). Also called: Limb-girdle muscular dystrophy, type 2J; MUSCULAR DYSTROPHY, LIMB-GIRDLE, AUTOSOMAL RECESSIVE 10. Identifiers: Orphanet 140922, MedGen C1837342, MONDO:0012127, OMIM 608807.

Submission:

Labcorp Genetics (formerly Invitae), Labcorp
Classification: Likely pathogenic for Dilated cardiomyopathy 1G; Autosomal recessive limb-girdle muscular dystrophy type 2J. Last evaluated: 2023-06-23. Review status: criteria provided, single submitter. Criteria: Invitae Variant Classification Sherloc (09022015). Collection method: clinical testing. Allele origin: germline.
Comment: In summary, the currently available evidence indicates that the variant is pathogenic, but additional data are needed to prove that conclusively. Therefore, this variant has been classified as Likely Pathogenic. This variant is located in the A band of TTN (PMID: 25589632). Truncating variants in this region are significantly overrepresented in patients affected with dilated cardiomyopathy (PMID: 25589632). Truncating variants in this region have also been reported in individuals affected with autosomal recessive centronuclear myopathy (PMID: 23975875). This sequence change creates a premature translational stop signal (p.Glu22675*) in the TTN gene. While this is not anticipated to result in nonsense mediated decay, it is expected to create a truncated TTN protein. This variant is not present in population databases (gnomAD no frequency). This variant has not been reported in the literature in individuals affected with TTN-related conditions.

Literature cited by the submitters: PubMed 25589632; PubMed 23975875.

NM_001267550.2(TTN):c.68022dup (p.Glu22675Ter)

Genes: TTN-AS1 (TTN antisense RNA 1; plus strand), TTN (titin; minus strand), LOC126806423 (CDK7 strongly-dependent group 2 enhancer GRCh37_chr2:179443309-179444508; plus strand). Cytogenetic location: 2q31.2.
Variant type: Duplication.
Coding change: c.68022dup on transcript NM_001267550.2 (MANE Select); coding-DNA position 68022, one base duplicated (T; older notation c.68022dupT).
Protein change: p.Glu22675Ter; replaces glutamic acid 22675 with a stop codon.
Molecular consequence: nonsense.
Genome position (GRCh38, 1-based): chr2:178,579,008, A duplicated on the plus strand (T on the coding strand, the reverse complement: TTN is on the minus strand). VCF-style (leftmost placement, unchanged base first): chr2-178579007-C-CA. GRCh37 (hg19) VCF-style: chr2-179443734-C-CA.
Other names: c.63099dup, p.Glu21034Ter (NM_001256850.1); c.40827dup, p.Glu13610Ter (NM_003319.4); c.60318dup, p.Glu20107Ter (NM_133378.4); c.41202dup, p.Glu13735Ter (NM_133432.3); c.41403dup, p.Glu13802Ter (NM_133437.4); short protein forms E13802*, E20107*, E13610*, E13735*, E21034*, E22675*.
Identifiers: ClinVar variation 2949211 (VCV002949211.3), dbSNP rs2468864436, ClinGen allele CA2740096044.
Genomic context (GRCh38, chr2:178,579,007, plus strand): 5'-CGCACGTCACCCACTTGTTGTTCACAGAATCCCTCTTCTCTAGGATATAGTTGGTGATTT[C>CA]AGAACCTCCATCATCCTTTGGAGGAGCCCACTTTAAGGTCATGGCTTCTGCTGTGACTTC-3'